The following is an entry in ClinVar:

NM_001037333.3(CYFIP2):c.971A>G (p.His324Arg)

Gene: CYFIP2 (cytoplasmic FMR1 interacting protein 2; plus strand). Cytogenetic location: 5q33.3.
Variant type: single nucleotide variant.
Coding change: c.971A>G on transcript NM_001037333.3 (MANE Select); coding-DNA position 971, A replaced by G.
Protein change: p.His324Arg; replaces histidine 324 with arginine.
Molecular consequence: missense variant.
Genome position (GRCh38, 1-based): chr5:157,309,813, A>G. VCF-style: chr5-157309813-A-G. GRCh37 (hg19) VCF-style: chr5-156736821-A-G.
Other names: c.893A>G, p.His298Arg (NM_001291721.2); c.971A>G, p.His324Arg (NM_001291722.2, NM_014376.4); short protein forms H324R, H298R.
Identifiers: ClinVar variation 1932461 (VCV001932461.5), dbSNP rs1221242924, ClinGen allele CA361967838.

ClinVar aggregate classification (germline): Uncertain significance (1 of 4 stars; one submission).

Allele frequency attached by ClinVar (database versions not stated): gnomAD exomes below 0.00001.
gnomAD v4.1: 7 of 1,601,426 alleles (0.00044%); highest among the groups gnomAD compares: Non-Finnish European, 0.00051%; no homozygotes.

Submission:

Labcorp Genetics (formerly Invitae), Labcorp
Classification: Uncertain significance. Last evaluated: 2025-11-25. Review status: criteria provided, single submitter. Criteria: Invitae Variant Classification Sherloc (09022015). Collection method: clinical testing. Allele origin: germline.
Comment: This sequence change replaces histidine, which is basic and polar, with arginine, which is basic and polar, at codon 324 of the CYFIP2 protein (p.His324Arg). This variant is present in population databases (no rsID available, gnomAD 0.001%). This variant has not been reported in the literature in individuals affected with CYFIP2-related conditions. ClinVar contains an entry for this variant (Variation ID: 1932461). Experimental studies and prediction algorithms are not available or were not evaluated, and the functional significance of this variant is currently unknown. In summary, the available evidence is currently insufficient to determine the role of this variant in disease. Therefore, it has been classified as a Variant of Uncertain Significance.